The following is an entry in ClinVar:

ClinVar aggregate classification (germline): Likely pathogenic. Review status: reviewed by expert panel (3 of 4 stars). 4 submissions from 4 submitters: Likely pathogenic (1). 3 of the submissions do not count toward it. Last evaluated 2022-12-09.

Conditions:
Phenylketonuria (PKU). Also called: Phenylketonuria (PKU); FOLLING DISEASE; OLIGOPHRENIA PHENYLPYRUVICA; Phenylketonurias. Identifiers: Orphanet 716, MedGen C0031485, MONDO:0009861, OMIM 261600. Disease mechanism: loss of function.

Allele frequency attached by ClinVar (database versions not stated): gnomAD exomes below 0.00001.
gnomAD v4.1: 1 of 1,614,064 alleles (0.000062%); highest among the groups gnomAD compares: Non-Finnish European, 0.000085%; no homozygotes.

Submissions (4):

ClinGen PAH Variant Curation Expert Panel
Classification: Likely pathogenic for Phenylketonuria. Last evaluated: 2022-12-09. Review status: reviewed by expert panel. Criteria: ClinGen PAH ACMG Specifications v1. Collection method: curation. Allele origin: germline. Inheritance: Autosomal recessive inheritance.
Comment: The c.535T>C (p.Tyr179His) variant in PAH has been reported in multiple individuals with PKU, including in patients with classic PKU in whom BH4 deficiency has been excluded (PMID: 29997390, PMID: 16256386, PMID: 20920871, PMID: 32668217, PMID: 30389586). p.Tyr179His has been detected with multiple variants classified as likely pathogenic or pathogenic by PAH VCEP, including p.Arg176*, c.1066-11G>A, c.1199+1G>C, p.Ala403Val, p.Ile406Met, p.Arg408Trp, p.Val230Ile (PMID: 32668217). This variant is absent from population databases. Multiple lines of computational evidence support a deleterious effect. In summary, this variant meets criteria to be classified as likely pathogenic for PAH. PAH-specific ACMG/AMP criteria applied: PM3_Strong, PM2, PP4_Moderate, PP3.

Myriad Genetics, Inc.
Classification: Likely pathogenic for Phenylketonuria. Last evaluated: 2025-05-13. Review status: criteria provided, single submitter. Criteria: Myriad Autosomal Dominant, Autosomal Recessive and X-Linked Classification Criteria (2023). Collection method: clinical testing. Allele origin: unknown. Not counted in ClinVar's aggregate classification.
Comment: NM_000277.1(PAH):c.535T>C(Y179H) is a missense variant classified as likely pathogenic in the context of phenylalanine hydroxylase deficiency. Y179H has been observed in cases with relevant disease (PMID: 32668217, 16256386, 30389586). Relevant functional assessments of this variant are not available in the literature. Y179H has not been observed in referenced population frequency databases. In summary, NM_000277.1(PAH):c.535T>C(Y179H) is a missense variant that has been observed more frequently in cases with the relevant disease than in healthy populations. Please note: this variant was assessed in the context of healthy population screening.

Women's Health and Genetics/Laboratory Corporation of America, LabCorp
Classification: Pathogenic for Phenylketonuria. Last evaluated: 2021-10-08. Review status: criteria provided, single submitter. Criteria: LabCorp Variant Classification Summary - May 2015. Collection method: clinical testing. Allele origin: germline. Not counted in ClinVar's aggregate classification.
Comment: Variant summary: PAH c.535T>C (p.Tyr179His) results in a conservative amino acid change located in the Aromatic amino acid hydroxylase, C-terminal domain (IPR019774) of the encoded protein sequence. Four of five in-silico tools predict a damaging effect of the variant on protein function. The variant was absent in 251232 control chromosomes (gnomAD). c.535T>C has been reported in the literature in multiple individuals affected with Phenylalanine Hydroxylase Deficiency (Phenylketonuria) (e.g. Song_2006, Zare-Karizi_2011, Sarkissian_2012, Shirzadeh_2018). These data indicate that the variant is very likely to be associated with disease. No clinical diagnostic laboratories have submitted clinical-significance assessments for this variant to ClinVar after 2014. Based on the evidence outlined above, the variant was classified as pathogenic.

DeBelle Laboratory for Biochemical Genetics, MUHC/MCH RESEARCH INSTITUTE
No classification provided. Review status: no classification provided. Collection method: not provided. Allele origin: not provided. Not counted in ClinVar's aggregate classification.

Literature cited by the submitters: PubMed 16256386 (cited by Myriad Genetics, Inc. and Women's Health and Genetics/Laboratory Corporation of America, LabCorp); PubMed 30389586 (cited by Myriad Genetics, Inc.); PubMed 32668217 (cited by Myriad Genetics, Inc.); PubMed 20920871 (cited by Women's Health and Genetics/Laboratory Corporation of America, LabCorp); PubMed 23430918 (cited by Women's Health and Genetics/Laboratory Corporation of America, LabCorp); PubMed 30159852 (cited by Women's Health and Genetics/Laboratory Corporation of America, LabCorp).

NM_000277.3(PAH):c.535T>C (p.Tyr179His)

Gene: PAH (phenylalanine hydroxylase; minus strand). Cytogenetic location: 12q23.2.
Variant type: single nucleotide variant.
Coding change: c.535T>C on transcript NM_000277.3 (MANE Select); coding-DNA position 535, T replaced by C.
Protein change: p.Tyr179His; replaces tyrosine 179 with histidine.
Molecular consequence: missense variant.
Genome position (GRCh38, 1-based): chr12:102,855,307, A>G on the plus strand (T>C on the coding strand, the complement: PAH is on the minus strand). VCF-style: chr12-102855307-A-G. GRCh37 (hg19) VCF-style: chr12-103249085-A-G.
Other names: NM_000277.3(PAH):c.535T>C; p.Tyr179His; c.535T>C, p.Tyr179His (NM_001354304.2); short protein forms Y179H.
Identifiers: ClinVar variation 102730 (VCV000102730.5), dbSNP rs199475671, ClinGen allele CA229615.